The following is an entry in ClinVar:

ClinVar aggregate classification (germline): Uncertain significance (1 of 4 stars; one submission).

Conditions:
Hereditary cancer-predisposing syndrome. Also called: Hereditary neoplastic syndrome; Hereditary Cancer Syndrome; Neoplastic Syndromes, Hereditary; Tumor predisposition. Identifiers: Orphanet 140162, MedGen C0027672, MeSH D009386, MONDO:0015356.

Submission:

Ambry Genetics
Classification: Uncertain significance for Hereditary cancer-predisposing syndrome. Last evaluated: 2025-04-30. Review status: criteria provided, single submitter. Criteria: Ambry Variant Classification Scheme 2023. Collection method: clinical testing. Allele origin: germline.
Comment: The p.K2305R variant (also known as c.6914A>G), located in coding exon 11 of the BRCA2 gene, results from an A to G substitution at nucleotide position 6914. The lysine at codon 2305 is replaced by arginine, an amino acid with highly similar properties. This amino acid position is not well conserved in available vertebrate species. In addition, the in silico prediction for this alteration is inconclusive. Since supporting evidence is limited at this time, the clinical significance of this alteration remains unclear.

NM_000059.4(BRCA2):c.6914A>G (p.Lys2305Arg)

Gene: BRCA2 (BRCA2 DNA repair associated; plus strand). Cytogenetic location: 13q13.1.
Variant type: single nucleotide variant.
Coding change: c.6914A>G on transcript NM_000059.4 (MANE Select); coding-DNA position 6914, A replaced by G.
Protein change: p.Lys2305Arg; replaces lysine 2305 with arginine.
Molecular consequence: missense variant.
Genome position (GRCh38, 1-based): chr13:32,344,630, A>G. VCF-style: chr13-32344630-A-G. GRCh37 (hg19) VCF-style: chr13-32918767-A-G.
Other names: short protein forms K2305R.
Identifiers: ClinVar variation 230273 (VCV000230273.6), dbSNP rs876658476, ClinGen allele CA10579715.